The following is an entry in ClinVar:

NM_017617.5(NOTCH1):c.1769T>G (p.Leu590Arg)

Gene: NOTCH1 (notch receptor 1; minus strand). Cytogenetic location: 9q34.3.
Variant type: single nucleotide variant.
Coding change: c.1769T>G on transcript NM_017617.5 (MANE Select); coding-DNA position 1769, T replaced by G.
Protein change: p.Leu590Arg; replaces leucine 590 with arginine.
Molecular consequence: missense variant.
Genome position (GRCh38, 1-based): chr9:136,515,617, A>C on the plus strand (T>G on the coding strand, the complement: NOTCH1 is on the minus strand). VCF-style: chr9-136515617-A-C. GRCh37 (hg19) VCF-style: chr9-139410069-A-C.
Other names: short protein forms L590R.
Identifiers: ClinVar variation 2698101 (VCV002698101.3), dbSNP rs2133363935, ClinGen allele CA375559986.

ClinVar aggregate classification (germline): Uncertain significance (1 of 4 stars; one submission).

Conditions:
Adams-Oliver syndrome 5 (AOS5). Identifiers: Orphanet 974, MedGen C4014970, MONDO:0014459, OMIM 616028.

Submission:

Labcorp Genetics (formerly Invitae), Labcorp
Classification: Uncertain significance for Adams-Oliver syndrome 5. Last evaluated: 2024-10-23. Review status: criteria provided, single submitter. Criteria: Invitae Variant Classification Sherloc (09022015). Collection method: clinical testing. Allele origin: germline.
Comment: This sequence change replaces leucine, which is neutral and non-polar, with arginine, which is basic and polar, at codon 590 of the NOTCH1 protein (p.Leu590Arg). This variant is not present in population databases (gnomAD no frequency). This variant has not been reported in the literature in individuals affected with NOTCH1-related conditions. Invitae Evidence Modeling of protein sequence and biophysical properties (such as structural, functional, and spatial information, amino acid conservation, physicochemical variation, residue mobility, and thermodynamic stability) indicates that this missense variant is not expected to disrupt NOTCH1 protein function with a negative predictive value of 95%. In summary, the available evidence is currently insufficient to determine the role of this variant in disease. Therefore, it has been classified as a Variant of Uncertain Significance.